The following is an entry in ClinVar:

ClinVar aggregate classification (germline): Uncertain significance (1 of 4 stars; one submission).

Conditions:
Familial thoracic aortic aneurysm and aortic dissection (TAAD). Also called: Thoracic aortic aneurysms and dissections. Identifiers: Orphanet 91387, MedGen C4707243, MONDO:0019625.

Submission:

Labcorp Genetics (formerly Invitae), Labcorp
Classification: Uncertain significance for Familial thoracic aortic aneurysm and aortic dissection. Last evaluated: 2022-08-16. Review status: criteria provided, single submitter. Criteria: Invitae Variant Classification Sherloc (09022015). Collection method: clinical testing. Allele origin: germline.
Comment: This sequence change replaces phenylalanine, which is neutral and non-polar, with leucine, which is neutral and non-polar, at codon 58 of the TGFBR2 protein (p.Phe58Leu). This variant is not present in population databases (gnomAD no frequency). In summary, the available evidence is currently insufficient to determine the role of this variant in disease. Therefore, it has been classified as a Variant of Uncertain Significance. Advanced modeling of protein sequence and biophysical properties (such as structural, functional, and spatial information, amino acid conservation, physicochemical variation, residue mobility, and thermodynamic stability) performed at Invitae indicates that this missense variant is not expected to disrupt TGFBR2 protein function. This variant has not been reported in the literature in individuals affected with TGFBR2-related conditions.

NM_003242.6(TGFBR2):c.172T>C (p.Phe58Leu)

Gene: TGFBR2 (transforming growth factor beta receptor 2; plus strand). Cytogenetic location: 3p24.1.
Variant type: single nucleotide variant.
Coding change: c.172T>C on transcript NM_003242.6 (MANE Select); coding-DNA position 172, T replaced by C.
Protein change: p.Phe58Leu; replaces phenylalanine 58 with leucine.
Molecular consequence: missense variant.
Genome position (GRCh38, 1-based): chr3:30,644,824, T>C. VCF-style: chr3-30644824-T-C. GRCh37 (hg19) VCF-style: chr3-30686316-T-C.
Other names: c.247T>C, p.Phe83Leu (NM_001024847.3, NM_001407126.1, NM_001407139.1); c.172T>C, p.Phe58Leu (NM_001407127.1, NM_001407130.1); c.199T>C, p.Phe67Leu (NM_001407128.1); c.67T>C, p.Phe23Leu (NM_001407129.1, NM_001407132.1, NM_001407133.1 and 3 more transcripts); short protein forms F58L, F23L, F67L, F83L.
Identifiers: ClinVar variation 2116408 (VCV002116408.4), dbSNP rs2470510122, ClinGen allele CA351806461.